The following is an entry in ClinVar:

ClinVar aggregate classification (germline): Pathogenic (1 of 4 stars; one submission).

Conditions:
Neurofibromatosis, type 1 (NF1). Also called: VON RECKLINGHAUSEN DISEASE; Peripheral type neurofibromatosis; NEUROFIBROMATOSIS, TYPE I, SOMATIC; Neurofibromatosis, type I. Identifiers: Orphanet 636, MedGen C0027831, MONDO:0018975, OMIM 162200. Disease mechanism: loss of function.

Submission:

Labcorp Genetics (formerly Invitae), Labcorp
Classification: Pathogenic for Neurofibromatosis, type 1. Last evaluated: 2024-04-07. Review status: criteria provided, single submitter. Criteria: Invitae Variant Classification Sherloc (09022015). Collection method: clinical testing. Allele origin: germline.
Comment: This sequence change creates a premature translational stop signal (p.Lys490*) in the NF1 gene. It is expected to result in an absent or disrupted protein product. Loss-of-function variants in NF1 are known to be pathogenic (PMID: 10712197, 23913538). This variant is not present in population databases (gnomAD no frequency). This variant has not been reported in the literature in individuals affected with NF1-related conditions. For these reasons, this variant has been classified as Pathogenic.

Literature cited by the submitters: PubMed 10712197; PubMed 23913538.

NM_001042492.3(NF1):c.1468A>T (p.Lys490Ter)

Gene: NF1 (neurofibromin 1; plus strand). Cytogenetic location: 17q11.2.
Variant type: single nucleotide variant.
Coding change: c.1468A>T on transcript NM_001042492.3 (MANE Select); coding-DNA position 1468, A replaced by T.
Protein change: p.Lys490Ter; replaces lysine 490 with a stop codon.
Molecular consequence: nonsense.
Genome position (GRCh38, 1-based): chr17:31,214,526, A>T. VCF-style: chr17-31214526-A-T. GRCh37 (hg19) VCF-style: chr17-29541544-A-T.
Other names: c.1468A>T, p.Lys490Ter (NM_000267.4, NM_001128147.3); short protein forms K490*.
Identifiers: ClinVar variation 3639824 (VCV003639824.2).